The following is an entry in ClinVar:

ClinVar aggregate classification (germline): Uncertain significance (1 of 4 stars; one submission).

Allele frequency attached by ClinVar (database versions not stated): TOPMed below 0.00001.
gnomAD v4.1: 2 of 1,614,128 alleles (0.00012%); highest among the groups gnomAD compares: Non-Finnish European, 0.00017%; no homozygotes.

Submission:

Labcorp Genetics (formerly Invitae), Labcorp
Classification: Uncertain significance. Last evaluated: 2021-10-27. Review status: criteria provided, single submitter. Criteria: Invitae Variant Classification Sherloc (09022015). Collection method: clinical testing. Allele origin: germline.
Comment: Algorithms developed to predict the effect of missense changes on protein structure and function (SIFT, PolyPhen-2, Align-GVGD) all suggest that this variant is likely to be tolerated. In summary, the available evidence is currently insufficient to determine the role of this variant in disease. Therefore, it has been classified as a Variant of Uncertain Significance. This variant has not been reported in the literature in individuals affected with SBF1-related conditions. This variant is not present in population databases (gnomAD no frequency). This sequence change replaces serine, a(n) neutral and polar amino acid, with phenylalanine, a(n) neutral and non-polar amino acid, at codon 1030 of the SBF1 protein (p.Ser1030Phe).

NM_002972.4(SBF1):c.3089C>T (p.Ser1030Phe)

Gene: SBF1 (SET binding factor 1; minus strand). Cytogenetic location: 22q13.33.
Variant type: single nucleotide variant.
Coding change: c.3089C>T on transcript NM_002972.4 (MANE Select); coding-DNA position 3089, C replaced by T.
Protein change: p.Ser1030Phe; replaces serine 1030 with phenylalanine.
Molecular consequence: missense variant.
Genome position (GRCh38, 1-based): chr22:50,460,591, G>A on the plus strand (C>T on the coding strand, the complement: SBF1 is on the minus strand). VCF-style: chr22-50460591-G-A. GRCh37 (hg19) VCF-style: chr22-50899020-G-A.
Other names: c.3092C>T, p.Ser1031Phe (NM_001365819.1); short protein forms S1031F, S1030F.
Identifiers: ClinVar variation 1492668 (VCV001492668.6), dbSNP rs2067464364, ClinGen allele CA412207413.